The following is an entry in ClinVar:

NM_000548.5(TSC2):c.3406G>C (p.Gly1136Arg)

Gene: TSC2 (TSC complex subunit 2; plus strand). Cytogenetic location: 16p13.3.
Variant type: single nucleotide variant.
Coding change: c.3406G>C on transcript NM_000548.5 (MANE Select); coding-DNA position 3406, G replaced by C.
Protein change: p.Gly1136Arg; replaces glycine 1136 with arginine.
Molecular consequence: missense variant.
Genome position (GRCh38, 1-based): chr16:2,080,173, G>C. VCF-style: chr16-2080173-G-C. GRCh37 (hg19) VCF-style: chr16-2130174-G-C.
Other names: c.3274G>C, p.Gly1092Arg (NM_001077183.3, NM_001370404.1, NM_001406665.1); c.3406G>C, p.Gly1136Arg (NM_001114382.3); c.3166G>C, p.Gly1056Arg (NM_001318827.2); c.3130G>C, p.Gly1044Arg (NM_001318829.2); c.2674G>C, p.Gly892Arg (NM_001318831.2, NM_001406687.1, NM_001406688.1); c.3307G>C, p.Gly1103Arg (NM_001318832.2); c.3277G>C, p.Gly1093Arg (NM_001363528.2, NM_001370405.1, NM_021055.3); c.3403G>C, p.Gly1135Arg (NM_001406663.1, NM_001406664.1); and 18 more; short protein forms G1092R, G1093R, G1103R, G644R, G936R, G939R, G1056R, G1073R.
Identifiers: ClinVar variation 2119164 (VCV002119164.4), dbSNP rs2089953185, ClinGen allele CA394288394.

ClinVar aggregate classification (germline): Uncertain significance (1 of 4 stars; one submission).

Conditions:
Tuberous sclerosis 2 (TSC2). Identifiers: Orphanet 805, MedGen C1860707, MONDO:0013199, OMIM 613254.

Submission:

Labcorp Genetics (formerly Invitae), Labcorp
Classification: Uncertain significance for Tuberous sclerosis 2. Last evaluated: 2022-03-29. Review status: criteria provided, single submitter. Criteria: Invitae Variant Classification Sherloc (09022015). Collection method: clinical testing. Allele origin: germline.
Comment: In summary, the available evidence is currently insufficient to determine the role of this variant in disease. Therefore, it has been classified as a Variant of Uncertain Significance. Advanced modeling of protein sequence and biophysical properties (such as structural, functional, and spatial information, amino acid conservation, physicochemical variation, residue mobility, and thermodynamic stability) performed at Invitae indicates that this missense variant is not expected to disrupt TSC2 protein function. This variant has not been reported in the literature in individuals affected with TSC2-related conditions. This variant is not present in population databases (gnomAD no frequency). This sequence change replaces glycine, which is neutral and non-polar, with arginine, which is basic and polar, at codon 1136 of the TSC2 protein (p.Gly1136Arg).